The following is an entry in ClinVar:

ClinVar aggregate classification (germline): Likely benign. Review status: criteria provided, multiple submitters, no conflicts (2 of 4 stars). 3 submissions from 3 submitters: Likely benign (2). 1 of the submissions does not count toward it. Last evaluated 2026-01-28.

Conditions:
Intellectual developmental disorder, X-linked 19. Also called: Intellectual disability, X-linked 19. Identifiers: Orphanet 777, MedGen C0796225, MONDO:0010447, OMIM 300844.
Coffin-Lowry syndrome (CLS). Also called: COFFIN-LOWRY SYNDROME, MILD; Mental retardation with osteocartilaginous abnormalities. Identifiers: Orphanet 192, MedGen C0265252, MONDO:0010561, OMIM 303600.
RPS6KA3-related disorder. Also called: RPS6KA3-related condition.

Allele frequency attached by ClinVar (database versions not stated): gnomAD exomes below 0.00001.
gnomAD v4.1: 1 of 1,211,077 alleles (0.000083%); highest among the groups gnomAD compares: Non-Finnish European, 0.00011%; no homozygotes.

Submissions (3):

Labcorp Genetics (formerly Invitae), Labcorp
Classification: Likely benign for Coffin-Lowry syndrome; Intellectual developmental disorder, X-linked 19. Last evaluated: 2026-01-28. Review status: criteria provided, single submitter. Criteria: Invitae Variant Classification Sherloc (09022015). Collection method: clinical testing. Allele origin: germline.

CeGaT Center for Human Genetics Tuebingen
Classification: Likely benign. Last evaluated: 2023-08-01. Review status: criteria provided, single submitter. Criteria: CeGaT Center For Human Genetics Tuebingen Variant Classification Criteria Version 2. Collection method: clinical testing. Allele origin: germline. Affected: yes. Observed: 1 variant allele.
Comment: RPS6KA3: BP4, BP7

PreventionGenetics, part of Exact Sciences
Classification: Likely benign for RPS6KA3-related condition. Last evaluated: 2024-09-19. Review status: no assertion criteria provided. Collection method: clinical testing. Allele origin: germline. Not counted in ClinVar's aggregate classification.
Comment: This variant is classified as likely benign based on ACMG/AMP sequence variant interpretation guidelines (Richards et al. 2015 PMID: 25741868, with internal and published modifications).

NM_004586.3(RPS6KA3):c.2085A>G (p.Ala695=)

Gene: RPS6KA3 (ribosomal protein S6 kinase A3; minus strand). Cytogenetic location: Xp22.12.
Variant type: single nucleotide variant.
Coding change: c.2085A>G on transcript NM_004586.3 (MANE Select); coding-DNA position 2085, A replaced by G.
Protein change: p.Ala695=; no amino-acid change (alanine 695 retained).
Molecular consequence: synonymous variant.
Genome position (GRCh38, 1-based): chrX:20,156,124, T>C on the plus strand (A>G on the coding strand, the complement: RPS6KA3 is on the minus strand). VCF-style: chrX-20156124-T-C. GRCh37 (hg19) VCF-style: chrX-20174242-T-C.
Other names: c.2085A>G (NM_004586.2).
Identifiers: ClinVar variation 2579090 (VCV002579090.26), dbSNP rs1309088451, ClinGen allele CA515613381.